The following is an entry in ClinVar:

NM_006206.6(PDGFRA):c.3167G>A (p.Ser1056Asn)

Gene: PDGFRA (platelet derived growth factor receptor alpha; plus strand). Cytogenetic location: 4q12.
Variant type: single nucleotide variant.
Coding change: c.3167G>A on transcript NM_006206.6 (MANE Select); coding-DNA position 3167, G replaced by A.
Protein change: p.Ser1056Asn; replaces serine 1056 with asparagine.
Molecular consequence: missense variant.
Genome position (GRCh38, 1-based): chr4:54,295,169, G>A. VCF-style: chr4-54295169-G-A. GRCh37 (hg19) VCF-style: chr4-55161336-G-A.
Other names: c.3242G>A, p.Ser1081Asn (NM_001347828.2); c.3167G>A, p.Ser1056Asn (NM_001347829.2); c.3206G>A, p.Ser1069Asn (NM_001347830.2); short protein forms S1081N, S1069N, S1056N.
Identifiers: ClinVar variation 823034 (VCV000823034.8), dbSNP rs1577755578, ClinGen allele CA356896539.

ClinVar aggregate classification (germline): Uncertain significance. Review status: criteria provided, multiple submitters, no conflicts (2 of 4 stars). 2 submissions from 2 submitters: Uncertain significance (2). Last evaluated 2025-06-12.

Conditions:
Gastrointestinal stromal tumor. Also called: Gastrointestinal stromal tumor, somatic; Gastrointestinal stroma tumor. Identifiers: Orphanet 44890, MedGen C0238198, MeSH D046152, MONDO:0011719, OMIM 606764, HP:0100723.
Hereditary cancer-predisposing syndrome. Also called: Neoplastic Syndromes, Hereditary; Hereditary Cancer Syndrome; Hereditary neoplastic syndrome; Tumor predisposition. Identifiers: Orphanet 140162, MedGen C0027672, MeSH D009386, MONDO:0015356.

Allele frequency attached by ClinVar (database versions not stated): gnomAD exomes below 0.00001.
gnomAD v4.1: 1 of 1,614,138 alleles (0.000062%); highest among the groups gnomAD compares: South Asian, 0.0011%; no homozygotes.

Submissions (2):

Ambry Genetics
Classification: Uncertain significance for Hereditary cancer-predisposing syndrome. Last evaluated: 2025-06-12. Review status: criteria provided, single submitter. Criteria: Ambry Variant Classification Scheme 2023. Collection method: clinical testing. Allele origin: germline.
Comment: The p.S1056N variant (also known as c.3167G>A), located in coding exon 22 of the PDGFRA gene, results from a G to A substitution at nucleotide position 3167. The serine at codon 1056 is replaced by asparagine, an amino acid with highly similar properties. This amino acid position is highly conserved in available vertebrate species. In addition, this alteration is predicted to be tolerated by in silico analysis. Since supporting evidence is limited at this time, the clinical significance of this alteration remains unclear.

Labcorp Genetics (formerly Invitae), Labcorp
Classification: Uncertain significance for Gastrointestinal stromal tumor. Last evaluated: 2024-09-09. Review status: criteria provided, single submitter. Criteria: Invitae Variant Classification Sherloc (09022015). Collection method: clinical testing. Allele origin: germline.
Comment: This sequence change replaces serine, which is neutral and polar, with asparagine, which is neutral and polar, at codon 1056 of the PDGFRA protein (p.Ser1056Asn). This variant is not present in population databases (gnomAD no frequency). This variant has not been reported in the literature in individuals affected with PDGFRA-related conditions. ClinVar contains an entry for this variant (Variation ID: 823034). Invitae Evidence Modeling of protein sequence and biophysical properties (such as structural, functional, and spatial information, amino acid conservation, physicochemical variation, residue mobility, and thermodynamic stability) indicates that this missense variant is not expected to disrupt PDGFRA protein function with a negative predictive value of 80%. In summary, the available evidence is currently insufficient to determine the role of this variant in disease. Therefore, it has been classified as a Variant of Uncertain Significance.